The following is an entry in ClinVar:

NM_014458.4(KLHL20):c.248G>T (p.Arg83Leu)

Gene: KLHL20 (kelch like family member 20; plus strand). Cytogenetic location: 1q25.1.
Variant type: single nucleotide variant.
Coding change: c.248G>T on transcript NM_014458.4 (MANE Select); coding-DNA position 248, G replaced by T.
Protein change: p.Arg83Leu; replaces arginine 83 with leucine.
Molecular consequence: missense variant.
Genome position (GRCh38, 1-based): chr1:173,733,937, G>T. VCF-style: chr1-173733937-G-T. GRCh37 (hg19) VCF-style: chr1-173703076-G-T.
Other names: short protein forms R83L.
Identifiers: ClinVar variation 4531338 (VCV004531338.1).
Genomic context (GRCh38, chr1:173,733,937, plus strand): 5'-AGCACCGGGAGCTATGTGATGTGGTGCTAGTTGTGGGCGCCAAGAAGATATATGCCCATC[G>T]AGTCATTTTGTCAGCCTGTAGTCCCTACTTCCGAGCTATGTTTACAGGAGAATTGGCAGA-3'
Protein context (NP_055273.2, residues 73-93): VVGAKKIYAH[Arg83Leu]VILSACSPYF

ClinVar aggregate classification (germline): Uncertain significance (1 of 4 stars; one submission).

Conditions:
Neurodevelopmental disorder. Identifiers: MedGen C1535926, MeSH D065886, MONDO:0700092.

Submission:

Victorian Clinical Genetics Services, Murdoch Childrens Research Institute
Classification: Uncertain significance for Neurodevelopmental disorder. Last evaluated: 2025-03-18. Review status: criteria provided, single submitter. Criteria: ACMG Guidelines, 2015. Collection method: clinical testing. Allele origin: germline. Affected: yes.
Comment: This variant is classified as VUS-3B. Evidence in support of pathogenic classification: Variant is absent from gnomAD (v2, v3 and v4); Missense variant predicted to be damaging by in silico tool(s) or highly conserved with a major amino acid change. Additional information: Variant is predicted to result in a missense amino acid change from arginine to leucine; This variant is heterozygous; This gene is associated with autosomal dominant disease; This variant has no previous evidence of pathogenicity; No published segregation evidence has been identified for this variant; No published functional evidence has been identified for this variant; No comparable missense variants have previous evidence for pathogenicity; Variant is located in the annotated BTB/POZ domain (DECIPHER); The mechanism of disease for this gene is not clearly established; Inheritance information for this variant is not currently available in this individual.